The following is an entry in ClinVar:

NM_000492.4(CFTR):c.2988+20G>A

Genes: CFTR (CF transmembrane conductance regulator; plus strand), CFTR-AS2 (CFTR antisense RNA 2; minus strand). Cytogenetic location: 7q31.2.
Variant type: single nucleotide variant.
Coding change: c.2988+20G>A on transcript NM_000492.4 (MANE Select); 20 bases into the intron after coding-DNA position 2988, G replaced by A.
Molecular consequence: intron variant.
Genome position (GRCh38, 1-based): chr7:117,606,773, G>A. VCF-style: chr7-117606773-G-A. GRCh37 (hg19) VCF-style: chr7-117246827-G-A.
Identifiers: ClinVar variation 495922 (VCV000495922.13), dbSNP rs183819332, ClinGen allele CA4451347.
Genomic context (GRCh38, chr7:117,606,773, plus strand): 5'-TGGATGACCTTCTGCCTCTTACCATATTTGACTTCATCCAGGTATGTAAAAATAAGTACC[G>A]TTAAGTATGTCTGTATTATTAAAAAAACAATAACAAAAGCAAATGTGATTTTGTTTTCAT-3'

ClinVar aggregate classification (germline): Likely benign. Review status: criteria provided, multiple submitters, no conflicts (2 of 4 stars). 3 submissions from 3 submitters: Likely benign (3). Last evaluated 2026-01-27.

Conditions:
Cystic fibrosis (CF). Also called: MUCOVISCIDOSIS. Identifiers: Orphanet 586, MedGen C0010674, MONDO:0009061, OMIM 219700. Disease mechanism: loss of function.

Allele frequency attached by ClinVar (database versions not stated): ExAC 0.00002; TOPMed 0.00002; gnomAD 0.00001; gnomAD exomes 0.00002; 1000 Genomes Project 30x 0.00016; 1000 Genomes Project 0.00020.
gnomAD v4.1: 25 of 1,252,010 alleles (0.002%); highest among the groups gnomAD compares: East Asian, 0.028%; no homozygotes.

Submissions (3):

Labcorp Genetics (formerly Invitae), Labcorp
Classification: Likely benign for Cystic fibrosis. Last evaluated: 2026-01-27. Review status: criteria provided, single submitter. Criteria: Invitae Variant Classification Sherloc (09022015). Collection method: clinical testing. Allele origin: germline.

Women's Health and Genetics/Laboratory Corporation of America, LabCorp
Classification: Likely benign. Last evaluated: 2025-01-07. Review status: criteria provided, single submitter. Criteria: LabCorp Variant Classification Summary - May 2015. Collection method: clinical testing. Allele origin: germline.
Comment: Variant summary: CFTR c.2988+20G>A alters a non-conserved nucleotide located at a position not widely known to affect splicing. Consensus agreement among computation tools predict no significant impact on normal splicing. However, these predictions have yet to be confirmed by functional studies. The variant allele was found at a frequency of 2e-05 in 250566 control chromosomes. The available data on variant occurrences in the general population are insufficient to allow any conclusion about variant significance. c.2988+20G>A has been reported in the literature without strong evidence for causality. These report(s) do not provide unequivocal conclusions about association of the variant with Cystic Fibrosis. To our knowledge, no experimental evidence demonstrating an impact on protein function has been reported. The following publication has been ascertained in the context of this evaluation (PMID: 30992994). ClinVar contains an entry for this variant (Variation ID: 495922). Based on the evidence outlined above, the variant was classified as likely benign.

Ambry Genetics
Classification: Likely benign for Cystic fibrosis. Last evaluated: 2022-10-20. Review status: criteria provided, single submitter. Criteria: Ambry Variant Classification Scheme 2023. Collection method: clinical testing. Allele origin: germline.

Literature cited by the submitters: PubMed 30992994 (cited by Women's Health and Genetics/Laboratory Corporation of America, LabCorp).